The following is an entry in ClinVar:

ClinVar aggregate classification (germline): Uncertain significance. Review status: criteria provided, multiple submitters, no conflicts (2 of 4 stars). 2 submissions from 2 submitters: Uncertain significance (2). Last evaluated 2023-10-10.

Conditions:
Cardiovascular phenotype. Identifiers: MedGen CN230736.
Progressive familial heart block type IB (PFHB1B). Identifiers: Orphanet 871, MedGen C1970298, MONDO:0011474, OMIM 604559.

Allele frequency attached by ClinVar (database versions not stated): TOPMed below 0.00001; gnomAD 0.00001; gnomAD exomes 0.00001.
gnomAD v4.1: 19 of 1,605,484 alleles (0.0012%); highest among the groups gnomAD compares: Non-Finnish European, 0.0016%; no homozygotes.

Submissions (2):

Ambry Genetics
Classification: Uncertain significance for Cardiovascular phenotype. Last evaluated: 2023-10-10. Review status: criteria provided, single submitter. Criteria: Ambry Variant Classification Scheme 2023. Collection method: clinical testing. Allele origin: germline.
Comment: The p.A145S variant (also known as c.433G>T), located in coding exon 4 of the TRPM4 gene, results from a G to T substitution at nucleotide position 433. The alanine at codon 145 is replaced by serine, an amino acid with similar properties. This amino acid position is conserved. In addition, this alteration is predicted to be tolerated by in silico analysis. Since supporting evidence is limited at this time, the clinical significance of this alteration remains unclear.

Labcorp Genetics (formerly Invitae), Labcorp
Classification: Uncertain significance for Progressive familial heart block type IB. Last evaluated: 2023-10-03. Review status: criteria provided, single submitter. Criteria: Invitae Variant Classification Sherloc (09022015). Collection method: clinical testing. Allele origin: germline.
Comment: This sequence change replaces alanine, which is neutral and non-polar, with serine, which is neutral and polar, at codon 145 of the TRPM4 protein (p.Ala145Ser). This variant is present in population databases (no rsID available, gnomAD 0.002%). This variant has not been reported in the literature in individuals affected with TRPM4-related conditions. ClinVar contains an entry for this variant (Variation ID: 1506749). An algorithm developed to predict the effect of missense changes on protein structure and function (PolyPhen-2) suggests that this variant is likely to be disruptive. In summary, the available evidence is currently insufficient to determine the role of this variant in disease. Therefore, it has been classified as a Variant of Uncertain Significance.

NM_017636.4(TRPM4):c.433G>T (p.Ala145Ser)

Gene: TRPM4 (transient receptor potential cation channel subfamily M member 4; plus strand). Cytogenetic location: 19q13.33.
Variant type: single nucleotide variant.
Coding change: c.433G>T on transcript NM_017636.4 (MANE Select); coding-DNA position 433, G replaced by T.
Protein change: p.Ala145Ser; replaces alanine 145 with serine.
Molecular consequence: missense variant. On other transcripts: intron variant (4).
Genome position (GRCh38, 1-based): chr19:49,168,082, G>T. VCF-style: chr19-49168082-G-T. GRCh37 (hg19) VCF-style: chr19-49671339-G-T.
Other names: c.433G>T, p.Ala145Ser (NM_001195227.2); c.-1105-178G>T (NM_001321282.2); c.268-471G>T (NM_001321281.2); c.-74-178G>T (NM_001321283.2); c.-237-471G>T (NM_001321285.2); c.433G>T (NM_017636.3); short protein forms A145S.
Identifiers: ClinVar variation 1506749 (VCV001506749.9), dbSNP rs1326380762, ClinGen allele CA406790665.
Genomic context (GRCh38, chr19:49,168,082, plus strand): 5'-TCGGGGGGCCCCGTCCTCCAGACCTGGCTGCAGGACCTGCTGCGTCGTGGGCTGGTGCGG[G>T]CTGCCCAGAGCACAGGTGACCGAGGGTGGGTGGGGGCTGTCTCCTGGGCCTCGGCCTGCC-3'
Protein context (NP_060106.2, residues 135-155): QDLLRRGLVR[Ala145Ser]AQSTGAWIVT